The following is an entry in ClinVar:

ClinVar aggregate classification (germline): Conflicting classifications of pathogenicity. Review status: criteria provided, conflicting classifications (1 of 4 stars). 8 submissions from 8 submitters: Pathogenic (1); Likely pathogenic (4); Uncertain significance (1). 2 of the submissions do not count toward it. Last evaluated 2025-07-10.

Conditions:
AMT-related disorder. Also called: AMT-related condition.
Glycine encephalopathy. Also called: Nonketotic hyperglycinemia; Non-ketotic hyperglycinemia. Identifiers: Orphanet 407, MedGen C0751748, MONDO:0011612, HP:0008288.

Allele frequency attached by ClinVar (database versions not stated): gnomAD 0.00001; ExAC 0.00002; gnomAD exomes 0.00002; TOPMed 0.00002.

Submissions (8):

GeneDx
Classification: Uncertain significance. Last evaluated: 2025-07-10. Review status: criteria provided, single submitter. Criteria: GeneDx Variant Classification Process June 2021. Collection method: clinical testing. Allele origin: germline. Affected: yes.
Comment: Nonsense variant predicted to result in protein truncation or nonsense mediated decay in a gene for which loss of function is a known mechanism of disease; Identified in a single individual from a cohort of patients with schizophrenia in the published literature; this variant is reported as R253X in this study using alternate nomenclature (PMID: 29232014); This variant is associated with the following publications: (PMID: 29232014)

Natera, Inc.
Classification: Likely pathogenic for Non-ketotic hyperglycinemia. Last evaluated: 2024-09-17. Review status: criteria provided, single submitter. Criteria: Natera Variant Classification Schema (03/2026). Collection method: clinical testing. Allele origin: germline.
Comment: The c.889C>T variant in AMT is a nonsense variant predicted to introduce a stop codon at amino acid 297. This variant is expected to result in nonsense mediated decay, truncation, or a dysfunctional protein product. This variant is rare in the general population with a frequency below the threshold expected for the associated phenotype(s). Given the available evidence, this variant is classified as Likely Pathogenic.

Blueprint Genetics
Classification: Likely pathogenic for AMT-related disorders. Last evaluated: 2024-04-30. Review status: criteria provided, single submitter. Criteria: ACMG Guidelines, 2015. Collection method: clinical testing. Allele origin: germline. Affected: yes. Observed: 1 variant allele.

Labcorp Genetics (formerly Invitae), Labcorp
Classification: Pathogenic for Glycine encephalopathy. Last evaluated: 2024-01-21. Review status: criteria provided, single submitter. Criteria: Invitae Variant Classification Sherloc (09022015). Collection method: clinical testing. Allele origin: germline.
Comment: This sequence change creates a premature translational stop signal (p.Arg297*) in the AMT gene. It is expected to result in an absent or disrupted protein product. Loss-of-function variants in AMT are known to be pathogenic (PMID: 16450403). This variant is present in population databases (rs766422988, gnomAD 0.009%). This variant has not been reported in the literature in individuals affected with AMT-related conditions. ClinVar contains an entry for this variant (Variation ID: 1285076). For these reasons, this variant has been classified as Pathogenic.

Baylor Genetics
Classification: Likely pathogenic for Glycine encephalopathy 1. Last evaluated: 2023-10-04. Review status: criteria provided, single submitter. Criteria: ACMG Guidelines, 2015. Collection method: clinical testing. Allele origin: unknown.

Fulgent Genetics
Classification: Likely pathogenic for Glycine encephalopathy 1. Last evaluated: 2022-01-14. Review status: criteria provided, single submitter. Criteria: ACMG Guidelines, 2015. Collection method: clinical testing. Allele origin: unknown.

Genome Diagnostics Laboratory, University Medical Center Utrecht
Classification: Pathogenic. Review status: no assertion criteria provided. Collection method: clinical testing. Allele origin: germline. Affected: yes. Study: VKGL Data-share Consensus. Not counted in ClinVar's aggregate classification.

Joint Genome Diagnostic Labs from Nijmegen and Maastricht, Radboudumc and MUMC+
Classification: Pathogenic. Review status: no assertion criteria provided. Collection method: clinical testing. Allele origin: germline. Affected: yes. Study: VKGL Data-share Consensus. Not counted in ClinVar's aggregate classification.

Literature cited by the submitters: PubMed 16450403 (cited by Labcorp Genetics (formerly Invitae), Labcorp).

NM_000481.4(AMT):c.889C>T (p.Arg297Ter)

Gene: AMT (aminomethyltransferase; minus strand). Cytogenetic location: 3p21.31.
Variant type: single nucleotide variant.
Coding change: c.889C>T on transcript NM_000481.4 (MANE Select); coding-DNA position 889, C replaced by T.
Protein change: p.Arg297Ter; replaces arginine 297 with a stop codon.
Molecular consequence: nonsense. On other transcripts: non-coding transcript variant (1).
Genome position (GRCh38, 1-based): chr3:49,417,962, G>A on the plus strand (C>T on the coding strand, the complement: AMT is on the minus strand). VCF-style: chr3-49417962-G-A. GRCh37 (hg19) VCF-style: chr3-49455395-G-A.
Other names: c.889C>T (NM_000481.3); c.757C>T, p.Arg253Ter (NM_001164710.2); c.721C>T, p.Arg241Ter (NM_001164711.2); c.889C>T, p.Arg297Ter (NM_001164712.2); short protein forms R241*, R253*, R297*.
Identifiers: ClinVar variation 1285076 (VCV001285076.14), dbSNP rs766422988, ClinGen allele CA2398208.